The following is an entry in ClinVar:

NM_014014.5(SNRNP200):c.4380G>C (p.Gly1460=)

Gene: SNRNP200 (small nuclear ribonucleoprotein U5 subunit 200; minus strand). Cytogenetic location: 2q11.2.
Variant type: single nucleotide variant.
Coding change: c.4380G>C on transcript NM_014014.5 (MANE Select); coding-DNA position 4380, G replaced by C.
Protein change: p.Gly1460=; no amino-acid change (glycine 1460 retained).
Molecular consequence: synonymous variant.
Genome position (GRCh38, 1-based): chr2:96,284,370, C>G on the plus strand (G>C on the coding strand, the complement: SNRNP200 is on the minus strand). VCF-style: chr2-96284370-C-G. GRCh37 (hg19) VCF-style: chr2-96950108-C-G.
Other names: c.4380G>C (NM_014014.4).
Identifiers: ClinVar variation 4955924 (VCV004955924.2).

ClinVar aggregate classification (germline): Likely benign. Review status: criteria provided, multiple submitters, no conflicts (2 of 4 stars). 2 submissions from 2 submitters: Likely benign (2). Last evaluated 2024-11-09.

Conditions:
SNRNP200-related disorder. Also called: SNRNP200-related condition.

gnomAD v4.1: 13 of 1,613,814 alleles (0.00081%); highest among the groups gnomAD compares: Non-Finnish European, 0.0011%; no homozygotes.

Submissions (2):

PreventionGenetics, part of Exact Sciences
Classification: Likely benign for SNRNP200-related condition. Last evaluated: 2024-11-09. Review status: criteria provided, single submitter. Criteria: ACMG Guidelines, 2015. Collection method: clinical testing. Allele origin: germline.
Comment: This variant is classified as likely benign based on ACMG/AMP sequence variant interpretation guidelines (Richards et al. 2015 PMID: 25741868, with internal and published modifications).

Blueprint Genetics
Classification: Likely benign. Last evaluated: 2022-10-14. Review status: criteria provided, single submitter. Criteria: ACMG Guidelines, 2015. Collection method: clinical testing. Allele origin: germline.